The following is an entry in ClinVar:

ClinVar aggregate classification (germline): Likely benign. Review status: reviewed by expert panel (3 of 4 stars). 5 submissions from 5 submitters: Likely benign (1). 4 of the submissions do not count toward it. Last evaluated 2017-06-29.

Conditions:
BRCA2-related cancer predisposition. Identifiers: MedGen CN377758, MONDO:0700269.
Hereditary cancer-predisposing syndrome. Also called: Tumor predisposition; Hereditary Cancer Syndrome; Neoplastic Syndromes, Hereditary; Hereditary neoplastic syndrome. Identifiers: Orphanet 140162, MedGen C0027672, MeSH D009386, MONDO:0015356.
Hereditary breast ovarian cancer syndrome. Also called: Hereditary breast and/or ovarian cancer syndrome; BRCA1- and BRCA2-Associated Hereditary Breast and Ovarian Cancer; Hereditary breast and ovarian cancer; Hereditary breast and ovarian cancer syndrome (HBOC); Breast and ovarian cancer; Hereditary breast and ovarian cancer syndrome. Identifiers: Orphanet 145, MedGen C0677776, MeSH D061325, MONDO:0003582. Disease mechanism: loss of function.
Breast-ovarian cancer, familial, susceptibility to, 2 (BROVCA2). Also called: BRCA2 Hereditary Breast and Ovarian Cancer. Identifiers: Orphanet 145, MedGen C2675520, MONDO:0012933, OMIM 612555. Disease mechanism: loss of function.

Submissions (5):

Evidence-based Network for the Interpretation of Germline Mutant Alleles (ENIGMA)
Classification: Likely benign for Breast-ovarian cancer, familial, susceptibility to, 2. Last evaluated: 2017-06-29. Review status: reviewed by expert panel. Criteria: ENIGMA BRCA1/2 Classification Criteria (2017-06-29). Collection method: curation. Allele origin: germline.
Comment: Synonymous substitution variant, with low bioinformatic likelihood to result in a splicing aberration (Splicing prior probability 0.02).

All of Us Research Program, National Institutes of Health
Classification: Likely benign for BRCA2-related cancer predisposition. Last evaluated: 2024-05-30. Review status: criteria provided, single submitter. Criteria: ACMG Guidelines, 2015. Collection method: clinical testing. Allele origin: germline. Inheritance: Autosomal dominant inheritance. Observed: 1 variant allele, 1 heterozygote. Not counted in ClinVar's aggregate classification.
Comment: This study involves interpretation of variants in research participants for the purpose of population health screening. Participant phenotype was not available at the time of variant classification. Additional details can be found in publication PMID: 35346344, PMCID: PMC8962531

Sema4
Classification: Likely benign for Hereditary cancer-predisposing syndrome. Last evaluated: 2021-07-21. Review status: criteria provided, single submitter. Criteria: Sema4 Curation Guidelines. Collection method: curation. Allele origin: germline. Not counted in ClinVar's aggregate classification.

Ambry Genetics
Classification: Likely benign for Hereditary cancer-predisposing syndrome. Last evaluated: 2020-05-11. Review status: criteria provided, single submitter. Criteria: Ambry Variant Classification Scheme 2023. Collection method: clinical testing. Allele origin: germline. Not counted in ClinVar's aggregate classification.

Labcorp Genetics (formerly Invitae), Labcorp
Classification: Likely benign for Hereditary breast ovarian cancer syndrome. Last evaluated: 2019-12-23. Review status: criteria provided, single submitter. Criteria: Invitae Variant Classification Sherloc (09022015). Collection method: clinical testing. Allele origin: germline. Not counted in ClinVar's aggregate classification.

NM_000059.4(BRCA2):c.4485C>A (p.Val1495=)

Gene: BRCA2 (BRCA2 DNA repair associated; plus strand). Cytogenetic location: 13q13.1.
Variant type: single nucleotide variant.
Coding change: c.4485C>A on transcript NM_000059.4 (MANE Select); coding-DNA position 4485, C replaced by A.
Protein change: p.Val1495=; no amino-acid change (valine 1495 retained).
Molecular consequence: synonymous variant.
Genome position (GRCh38, 1-based): chr13:32,338,840, C>A. VCF-style: chr13-32338840-C-A. GRCh37 (hg19) VCF-style: chr13-32912977-C-A.
Identifiers: ClinVar variation 215606 (VCV000215606.18), dbSNP rs863224307, ClinGen allele CA336757.